The following is an entry in ClinVar:

NM_001374353.1(GLI2):c.2811G>A (p.Ala937=)

Gene: GLI2 (GLI family zinc finger 2; plus strand). Cytogenetic location: 2q14.2.
Variant type: single nucleotide variant.
Coding change: c.2811G>A on transcript NM_001374353.1 (MANE Select); coding-DNA position 2811, G replaced by A.
Protein change: p.Ala937=; no amino-acid change (alanine 937 retained).
Molecular consequence: synonymous variant.
Genome position (GRCh38, 1-based): chr2:120,988,776, G>A. VCF-style: chr2-120988776-G-A. GRCh37 (hg19) VCF-style: chr2-121746352-G-A.
Other names: c.2862G>A, p.Ala954= (NM_001371271.1, NM_005270.5); c.2436G>A, p.Ala812= (NM_001374354.1).
Identifiers: ClinVar variation 3054787 (VCV003054787.2), dbSNP rs1185329099, ClinGen allele CA428749435.

ClinVar aggregate classification (germline): Likely benign (0 of 4 stars; one submission).

Conditions:
GLI2-related disorder. Also called: GLI2-related condition; GLI2-related disorders.

gnomAD v4.1: 2 of 1,320,858 alleles (0.00015%); highest among the groups gnomAD compares: East Asian, 0.0038%; no homozygotes.

Submission:

PreventionGenetics, part of Exact Sciences
Classification: Likely benign for GLI2-related condition. Last evaluated: 2022-02-23. Review status: no assertion criteria provided. Collection method: clinical testing. Allele origin: germline.
Comment: This variant is classified as likely benign based on ACMG/AMP sequence variant interpretation guidelines (Richards et al. 2015 PMID: 25741868, with internal and published modifications).